The following is an entry in ClinVar:

ClinVar aggregate classification (germline): Uncertain significance (1 of 4 stars; one submission).

gnomAD v4.1: 5 of 1,611,336 alleles (0.00031%); highest among the groups gnomAD compares: Non-Finnish European, 0.00042%; no homozygotes.

Submission:

Ambry Genetics
Classification: Uncertain significance. Last evaluated: 2025-03-11. Review status: criteria provided, single submitter. Criteria: Ambry Variant Classification Scheme 2023. Collection method: clinical testing. Allele origin: germline.
Comment: The p.T255I variant (also known as c.764C>T), located in coding exon 6 of the GEN1 gene, results from a C to T substitution at nucleotide position 764. The threonine at codon 255 is replaced by isoleucine, an amino acid with similar properties. This amino acid position is conserved. In addition, this alteration is predicted to be tolerated by in silico analysis. Based on the available evidence, the clinical significance of this variant remains unclear.

NM_001130009.3(GEN1):c.764C>T (p.Thr255Ile)

Gene: GEN1 (GEN1 Holliday junction 5' flap endonuclease; plus strand). Cytogenetic location: 2p24.2.
Variant type: single nucleotide variant.
Coding change: c.764C>T on transcript NM_001130009.3 (MANE Select); coding-DNA position 764, C replaced by T.
Protein change: p.Thr255Ile; replaces threonine 255 with isoleucine.
Molecular consequence: missense variant.
Genome position (GRCh38, 1-based): chr2:17,771,249, C>T. VCF-style: chr2-17771249-C-T. GRCh37 (hg19) VCF-style: chr2-17952516-C-T.
Other names: c.764C>T, p.Thr255Ile (NM_182625.5); short protein forms T255I.
Identifiers: ClinVar variation 3853628 (VCV003853628.1).